The following is an entry in ClinVar:

NM_000557.5(GDF5):c.202G>A (p.Gly68Arg)

Gene: GDF5 (growth differentiation factor 5; minus strand). Cytogenetic location: 20q11.22.
Variant type: single nucleotide variant.
Coding change: c.202G>A on transcript NM_000557.5 (MANE Select); coding-DNA position 202, G replaced by A.
Protein change: p.Gly68Arg; replaces glycine 68 with arginine.
Molecular consequence: missense variant.
Genome position (GRCh38, 1-based): chr20:35,437,727, C>T on the plus strand (G>A on the coding strand, the complement: GDF5 is on the minus strand). VCF-style: chr20-35437727-C-T. GRCh37 (hg19) VCF-style: chr20-34025507-C-T.
Other names: c.202G>A, p.Gly68Arg (NM_001319138.2); short protein forms G68R.
Identifiers: ClinVar variation 2813387 (VCV002813387.3), dbSNP rs868380625, ClinGen allele CA314131770.

ClinVar aggregate classification (germline): Uncertain significance (1 of 4 stars; one submission).

gnomAD v4.1: 2 of 1,613,570 alleles (0.00012%); highest among the groups gnomAD compares: Non-Finnish European, 0.00017%; no homozygotes.

Submission:

Labcorp Genetics (formerly Invitae), Labcorp
Classification: Uncertain significance. Last evaluated: 2023-08-04. Review status: criteria provided, single submitter. Criteria: Invitae Variant Classification Sherloc (09022015). Collection method: clinical testing. Allele origin: germline.
Comment: In summary, the available evidence is currently insufficient to determine the role of this variant in disease. Therefore, it has been classified as a Variant of Uncertain Significance. An algorithm developed to predict the effect of missense changes on protein structure and function (PolyPhen-2) suggests that this variant is likely to be tolerated. This sequence change replaces glycine, which is neutral and non-polar, with arginine, which is basic and polar, at codon 68 of the GDF5 protein (p.Gly68Arg). This variant is not present in population databases (gnomAD no frequency). This variant has not been reported in the literature in individuals affected with GDF5-related conditions.